The following is an entry in ClinVar:

ClinVar aggregate classification (germline): Uncertain significance. Review status: criteria provided, multiple submitters, no conflicts (2 of 4 stars). 4 submissions from 4 submitters: Uncertain significance (4). Last evaluated 2025-04-11.

Conditions:
Sotos syndrome (SOTOS). Also called: Distinctive facial appearance, overgrowth in childhood, and learning disabilities or delayed development; SOTOS SYNDROME 1; Sotos' syndrome; CHROMOSOME 5q35 DELETION SYNDROME; CEREBRAL GIGANTISM. Identifiers: Orphanet 821, MedGen C0175695, MONDO:0019349, OMIM 117550.
Inborn genetic diseases. Identifiers: MedGen C0950123, MeSH D030342.

Allele frequency attached by ClinVar (database versions not stated): TOPMed below 0.00001.

Submissions (4):

Ambry Genetics
Classification: Uncertain significance for Inborn genetic diseases. Last evaluated: 2025-04-11. Review status: criteria provided, single submitter. Criteria: Ambry Variant Classification Scheme 2023. Collection method: clinical testing. Allele origin: germline.

Fulgent Genetics
Classification: Uncertain significance for Sotos syndrome. Last evaluated: 2024-05-13. Review status: criteria provided, single submitter. Criteria: ACMG Guidelines, 2015. Collection method: clinical testing. Allele origin: germline.

Labcorp Genetics (formerly Invitae), Labcorp
Classification: Uncertain significance. Last evaluated: 2023-06-17. Review status: criteria provided, single submitter. Criteria: Invitae Variant Classification Sherloc (09022015). Collection method: clinical testing. Allele origin: germline.
Comment: In summary, the available evidence is currently insufficient to determine the role of this variant in disease. Therefore, it has been classified as a Variant of Uncertain Significance. Advanced modeling of protein sequence and biophysical properties (such as structural, functional, and spatial information, amino acid conservation, physicochemical variation, residue mobility, and thermodynamic stability) performed at Invitae indicates that this missense variant is not expected to disrupt NSD1 protein function. ClinVar contains an entry for this variant (Variation ID: 282981). This variant has not been reported in the literature in individuals affected with NSD1-related conditions. This variant is not present in population databases (gnomAD no frequency). This sequence change replaces methionine, which is neutral and non-polar, with isoleucine, which is neutral and non-polar, at codon 81 of the NSD1 protein (p.Met81Ile).

Eurofins Ntd Llc (ga)
Classification: Uncertain significance. Last evaluated: 2015-09-01. Review status: criteria provided, single submitter. Criteria: EGL Classification Definitions 2015. Collection method: clinical testing. Allele origin: germline. Observed: 1 variant allele, 1 heterozygote.

NM_022455.5(NSD1):c.243G>C (p.Met81Ile)

Gene: NSD1 (nuclear receptor binding SET domain protein 1; plus strand). Cytogenetic location: 5q35.3.
Variant type: single nucleotide variant.
Coding change: c.243G>C on transcript NM_022455.5 (MANE Select); coding-DNA position 243, G replaced by C.
Protein change: p.Met81Ile; replaces methionine 81 with isoleucine.
Molecular consequence: missense variant. On other transcripts: intron variant (7).
Genome position (GRCh38, 1-based): chr5:177,135,346, G>C. VCF-style: chr5-177135346-G-C. GRCh37 (hg19) VCF-style: chr5-176562347-G-C.
Other names: c.243G>C, p.Met81Ile (NM_001409301.1, NM_001409302.1, NM_001409303.1 and 1 more transcripts); c.-37+146G>C (NM_001409305.1, NM_001409306.1, NM_001409308.1 and 4 more transcripts); short protein forms M81I.
Identifiers: ClinVar variation 282981 (VCV000282981.11), dbSNP rs886042530, ClinGen allele CA10604360.
Genomic context (GRCh38, chr5:177,135,346, plus strand): 5'-TGGACAAGATTCTCCATCTTGTTACATTCCACTGCGGAGACTACAGGATTTGGCCTCCAT[G>C]ATCAATGTAGAGTATTTAAATGGGTCTGCTGATGGATCAGAATCCTTTCAAGACCCTGAA-3'
Protein context (NP_071900.2, residues 71-91): PLRRLQDLAS[Met81Ile]INVEYLNGSA